The following is an entry in ClinVar:

NM_182643.3(DLC1):c.1683C>A (p.Asp561Glu)

Gene: DLC1 (DLC1 Rho GTPase activating protein; minus strand). Cytogenetic location: 8p22.
Variant type: single nucleotide variant.
Coding change: c.1683C>A on transcript NM_182643.3 (MANE Select); coding-DNA position 1683, C replaced by A.
Protein change: p.Asp561Glu; replaces aspartic acid 561 with glutamic acid.
Molecular consequence: missense variant.
Genome position (GRCh38, 1-based): chr8:13,100,654, G>T on the plus strand (C>A on the coding strand, the complement: DLC1 is on the minus strand). VCF-style: chr8-13100654-G-T. GRCh37 (hg19) VCF-style: chr8-12958163-G-T.
Other names: c.150C>A, p.Asp50Glu (NM_001164271.2, NM_001348082.2, NM_001348083.1 and 1 more transcripts); c.474C>A, p.Asp158Glu (NM_001316668.2); c.1683C>A, p.Asp561Glu (NM_001348081.2); c.372C>A, p.Asp124Glu (NM_006094.5); c.1683C>A (NM_182643.2); short protein forms D124E, D158E, D50E, D561E.
Identifiers: ClinVar variation 1650157 (VCV001650157.9), dbSNP rs201661577, ClinGen allele CA4638847.

ClinVar aggregate classification (germline): Likely benign. Review status: criteria provided, multiple submitters, no conflicts (2 of 4 stars). 2 submissions from 2 submitters: Likely benign (2). Last evaluated 2026-01-08.

Conditions:
DLC1-related disorder. Also called: DLC1-related condition.

Allele frequency attached by ClinVar (database versions not stated): gnomAD 0.00006 and 0.00014; TOPMed 0.00022; ExAC 0.00033; gnomAD exomes 0.00035; 1000 Genomes Project 0.00120; 1000 Genomes Project 30x 0.00141.
gnomAD v4.1: 223 of 1,614,128 alleles (0.014%); highest among the groups gnomAD compares: East Asian, 0.36%; 1 homozygote.

Submissions (2):

PreventionGenetics, part of Exact Sciences
Classification: Likely benign for DLC1-related condition. Last evaluated: 2026-01-08. Review status: criteria provided, single submitter. Criteria: ACMG Guidelines, 2015. Collection method: clinical testing. Allele origin: germline.
Comment: This variant is classified as likely benign based on ACMG/AMP sequence variant interpretation guidelines (Richards et al. 2015 PMID: 25741868, with internal and published modifications).

Labcorp Genetics (formerly Invitae), Labcorp
Classification: Likely benign. Last evaluated: 2025-09-09. Review status: criteria provided, single submitter. Criteria: Invitae Variant Classification Sherloc (09022015). Collection method: clinical testing. Allele origin: germline.